The following is an entry in ClinVar:

ClinVar aggregate classification (germline): Conflicting classifications of pathogenicity. Review status: criteria provided, conflicting classifications (1 of 4 stars). 6 submissions from 6 submitters: Pathogenic (1); Likely pathogenic (3); Uncertain significance (2). Last evaluated 2026-04-13.

Conditions:
ABCA4-related disorder. Also called: ABCA4-related condition; ABCA4-related disorders. Identifiers: MedGen CN239167.
Severe early-childhood-onset retinal dystrophy (STGD1). Also called: Stargardt macular dystrophy; Juvenile onset macular degeneration; Stargardt disease 1; MACULAR DYSTROPHY WITH FLECKS, TYPE 1; STGD. Identifiers: Orphanet 364055, Orphanet 827, MedGen C1855465, MeSH D000080362, MONDO:0009549, OMIM 248200.
Cone-rod dystrophy 3 (CORD3). Identifiers: Orphanet 1872, MedGen C1858806, MONDO:0011395, OMIM 604116.
Retinitis pigmentosa 19 (RP19). Also called: ABCA4-Related Retinitis Pigmentosa. Identifiers: Orphanet 791, MedGen C1866422, MONDO:0011137, OMIM 601718.
Age related macular degeneration 2. Also called: MACULAR DEGENERATION, SENILE; MACULOPATHY, AGE-RELATED, 2; MACULOPATHY, AGE-RELATED. Identifiers: MedGen C3495438, MONDO:0007932, OMIM 153800.

Allele frequency attached by ClinVar (database versions not stated): TOPMed 0.00004.
gnomAD v4.1: 91 of 1,613,256 alleles (0.0056%); highest among the groups gnomAD compares: Non-Finnish European, 0.0075%; no homozygotes.

Submissions (6):

PreventionGenetics, part of Exact Sciences
Classification: Uncertain significance for ABCA4-related condition. Last evaluated: 2026-04-13. Review status: criteria provided, single submitter. Criteria: ACMG Guidelines, 2015. Collection method: clinical testing. Allele origin: germline.
Comment: The ABCA4 c.5059A>T variant is predicted to result in the amino acid substitution p.Ile1687Phe. This variant has been reported along with a second ABCA4 variant in at least three individuals with ABCA4-related disease (Stenirri et al. 2007. PubMed ID: 17932850; Table S1, Birtel et al. 2018. PubMed ID: 29555955; Runhart et al. 2022. PubMed ID: 34431609). It is reported in 0.0078% of alleles in individuals of European (non-Finnish) descent in gnomAD. This variant has conflicting classifications listed in ClinVar ranging from uncertain to pathogenic (ClinVar ID: 865833). A study of the frequency of this variant in affected individuals versus the general population has classified this variant as having mild/moderate severity (Table S2A, Cornelis et al. 2022. PubMed ID: 35120629). Although we suspect that this variant may be pathogenic, at this time, the clinical significance of this variant is uncertain due to the absence of conclusive functional and genetic evidence.

Labcorp Genetics (formerly Invitae), Labcorp
Classification: Pathogenic. Last evaluated: 2026-01-20. Review status: criteria provided, single submitter. Criteria: Invitae Variant Classification Sherloc (09022015). Collection method: clinical testing. Allele origin: germline.
Comment: This sequence change replaces isoleucine, which is neutral and non-polar, with phenylalanine, which is neutral and non-polar, at codon 1687 of the ABCA4 protein (p.Ile1687Phe). This variant is present in population databases (rs201996979, gnomAD 0.008%). This missense change has been observed in individuals with retinal disease (PMID: 17932850, 29555955). ClinVar contains an entry for this variant (Variation ID: 865833). Invitae Evidence Modeling of protein sequence and biophysical properties (such as structural, functional, and spatial information, amino acid conservation, physicochemical variation, residue mobility, and thermodynamic stability) indicates that this missense variant is expected to disrupt ABCA4 protein function with a positive predictive value of 95%. For these reasons, this variant has been classified as Pathogenic.

3billion
Classification: Likely pathogenic for Retinitis pigmentosa 19. Last evaluated: 2025-12-23. Review status: criteria provided, single submitter. Criteria: ACMG Guidelines, 2015. Collection method: clinical testing. Allele origin: germline. Affected: yes.
Comment: The variant is observed at an extremely low frequency in the gnomAD v4.1.0 dataset (total allele frequency: 0.006%). Predicted Consequence/Location: Missense variant In silico tool predictions suggest damaging effect of the variant on gene or gene product [REVEL: 0.92 (>=0.6, sensitivity 0.68 and specificity 0.92); 3Cnet: 0.85 (> 0.75, sensitivity 0.96 and precision 0.92)]. The same nucleotide change resulting in the same amino acid change has been previously reported as pathogenic/likely pathogenic with strong evidence (ClinVar ID: VCV000865833 /PMID: 17932850). Therefore, this variant is classified as Likely pathogenic according to the recommendation of ACMG/AMP guideline.

Fulgent Genetics
Classification: Likely pathogenic for Age related macular degeneration 2; Severe early-childhood-onset retinal dystrophy; Retinitis pigmentosa 19; Cone-rod dystrophy 3. Last evaluated: 2024-03-31. Review status: criteria provided, single submitter. Criteria: ACMG Guidelines, 2015. Collection method: clinical testing. Allele origin: germline.

Blueprint Genetics
Classification: Likely pathogenic for ABCA4-related disorders. Last evaluated: 2023-12-13. Review status: criteria provided, single submitter. Criteria: ACMG Guidelines, 2015. Collection method: clinical testing. Allele origin: germline. Affected: yes. Observed: 5 variant alleles.

GeneDx
Classification: Uncertain significance. Last evaluated: 2019-05-20. Review status: criteria provided, single submitter. Criteria: GeneDx Variant Classification Process June 2021. Collection method: clinical testing. Allele origin: germline. Affected: yes.
Comment: In silico analysis, which includes protein predictors and evolutionary conservation, supports a deleterious effect; Identified in individuals with autosomal recessive retinitis pigmentosa and with Stargardt disease in published literature (Stenirri et al., 2007; Birtel et al., 2018); This variant is associated with the following publications: (PMID: 17932850, 29555955, 30140905)

Literature cited by the submitters: PubMed 17932850 (cited by Labcorp Genetics (formerly Invitae), Labcorp and 3billion); PubMed 29555955 (cited by Labcorp Genetics (formerly Invitae), Labcorp).

NM_000350.3(ABCA4):c.5059A>T (p.Ile1687Phe)

Gene: ABCA4 (ATP binding cassette subfamily A member 4; minus strand). Cytogenetic location: 1p22.1.
Variant type: single nucleotide variant.
Coding change: c.5059A>T on transcript NM_000350.3 (MANE Select); coding-DNA position 5059, A replaced by T.
Protein change: p.Ile1687Phe; replaces isoleucine 1687 with phenylalanine.
Molecular consequence: missense variant.
Genome position (GRCh38, 1-based): chr1:94,019,719, T>A on the plus strand (A>T on the coding strand, the complement: ABCA4 is on the minus strand). VCF-style: chr1-94019719-T-A. GRCh37 (hg19) VCF-style: chr1-94485275-T-A.
Other names: c.4837A>T, p.Ile1613Phe (NM_001425324.1); short protein forms I1687F, I1613F.
Identifiers: ClinVar variation 865833 (VCV000865833.16), dbSNP rs201996979, ClinGen allele CA957380.